The following is an entry in ClinVar:

NM_001278064.2(GRM1):c.1154T>C (p.Leu385Pro)

Gene: GRM1 (glutamate metabotropic receptor 1; plus strand). Cytogenetic location: 6q24.3.
Variant type: single nucleotide variant.
Coding change: c.1154T>C on transcript NM_001278064.2 (MANE Select); coding-DNA position 1154, T replaced by C.
Protein change: p.Leu385Pro; replaces leucine 385 with proline.
Molecular consequence: missense variant.
Genome position (GRCh38, 1-based): chr6:146,304,814, T>C. VCF-style: chr6-146304814-T-C. GRCh37 (hg19) VCF-style: chr6-146625950-T-C.
Other names: c.1154T>C, p.Leu385Pro (NM_001278065.2, NM_001278066.1, NM_001278067.1); short protein forms L385P.
Identifiers: ClinVar variation 4682235 (VCV004682235.1).
Genomic context (GRCh38, chr6:146,304,814, plus strand): 5'-ATCCCTGGTTCCCTGAGTTCTGGCAACATCGGTTCCAGTGCCGCCTTCCAGGACACCTTC[T>C]GGAAAATCCCAACTTTAAACGAATCTGCACAGGTAACTCATGTTCACAAAATAACAACTC-3'
Protein context (NP_001264993.1, residues 375-395): RFQCRLPGHL[Leu385Pro]ENPNFKRICT

ClinVar aggregate classification (germline): Uncertain significance (1 of 4 stars; one submission).

gnomAD v4.1: 81 of 1,613,636 alleles (0.005%); highest among the groups gnomAD compares: Non-Finnish European, 0.0062%; no homozygotes.

Submission:

Athena Diagnostics
Classification: Uncertain significance. Last evaluated: 2024-12-17. Review status: criteria provided, single submitter. Criteria: Athena Diagnostics Criteria. Collection method: clinical testing. Allele origin: unknown.
Comment: Available data are insufficient to determine the clinical significance of the variant at this time. The frequency of this variant in the general population is uninformative in assessment of its pathogenicity. Polyphen and MutationTaster predict this amino acid change may be benign.